The following is an entry in ClinVar:

NM_006364.4(SEC23A):c.850G>C (p.Ala284Pro)

Gene: SEC23A (SEC23 homolog A, COPII component; minus strand). Cytogenetic location: 14q21.1.
Variant type: single nucleotide variant.
Coding change: c.850G>C on transcript NM_006364.4 (MANE Select); coding-DNA position 850, G replaced by C.
Protein change: p.Ala284Pro; replaces alanine 284 with proline.
Molecular consequence: missense variant.
Genome position (GRCh38, 1-based): chr14:39,076,072, C>G on the plus strand (G>C on the coding strand, the complement: SEC23A is on the minus strand). VCF-style: chr14-39076072-C-G. GRCh37 (hg19) VCF-style: chr14-39545276-C-G.
Other names: short protein forms A284P.
Identifiers: ClinVar variation 4581855 (VCV004581855.2).

ClinVar aggregate classification (germline): Uncertain significance. Review status: criteria provided, multiple submitters, no conflicts (2 of 4 stars). 2 submissions from 2 submitters: Uncertain significance (2). Last evaluated 2025-12-08.

Conditions:
Craniolenticulosutural dysplasia (CLSD). Also called: BOYADJIEV-JABS SYNDROME. Identifiers: Orphanet 50814, MedGen C1843042, MONDO:0011911, OMIM 607812.

gnomAD v4.1: 1 of 1,612,600 alleles (0.000062%); highest among the groups gnomAD compares: Non-Finnish European, 0.000085%; no homozygotes.

Submissions (2):

Labcorp Genetics (formerly Invitae), Labcorp
Classification: Uncertain significance for Craniolenticulosutural dysplasia. Last evaluated: 2025-12-08. Review status: criteria provided, single submitter. Criteria: Invitae Variant Classification Sherloc (09022015). Collection method: clinical testing. Allele origin: germline.
Comment: This sequence change replaces alanine, which is neutral and non-polar, with proline, which is neutral and non-polar, at codon 284 of the SEC23A protein (p.Ala284Pro). This variant is not present in population databases (gnomAD no frequency). This variant has not been reported in the literature in individuals affected with SEC23A-related conditions. Invitae Evidence Modeling of protein sequence and biophysical properties (such as structural, functional, and spatial information, amino acid conservation, physicochemical variation, residue mobility, and thermodynamic stability) indicates that this missense variant is expected to disrupt SEC23A protein function with a positive predictive value of 80%. In summary, the available evidence is currently insufficient to determine the role of this variant in disease. Therefore, it has been classified as a Variant of Uncertain Significance.

Ambry Genetics
Classification: Uncertain significance. Last evaluated: 2025-11-13. Review status: criteria provided, single submitter. Criteria: Ambry Variant Classification Scheme 2023. Collection method: clinical testing. Allele origin: germline.